The following is an entry in ClinVar:

NM_004493.3(HSD17B10):c.37G>A (p.Ala13Thr)

Gene: HSD17B10 (hydroxysteroid 17-beta dehydrogenase 10; minus strand). Cytogenetic location: Xp11.22.
Variant type: single nucleotide variant.
Coding change: c.37G>A on transcript NM_004493.3 (MANE Select); coding-DNA position 37, G replaced by A.
Protein change: p.Ala13Thr; replaces alanine 13 with threonine.
Molecular consequence: missense variant.
Genome position (GRCh38, 1-based): chrX:53,433,877, C>T on the plus strand (G>A on the coding strand, the complement: HSD17B10 is on the minus strand). VCF-style: chrX-53433877-C-T. GRCh37 (hg19) VCF-style: chrX-53460824-C-T.
Other names: c.37G>A, p.Ala13Thr (NM_001037811.2); short protein forms A13T.
Identifiers: ClinVar variation 1303957 (VCV001303957.2), dbSNP rs782206781, ClinGen allele CA10421050.

ClinVar aggregate classification (germline): Uncertain significance (1 of 4 stars; one submission).

Allele frequency attached by ClinVar (database versions not stated): TOPMed below 0.00001; ExAC 0.00001; gnomAD 0.00001; gnomAD exomes 0.00001.

Submission:

GeneDx
Classification: Uncertain significance. Last evaluated: 2021-04-08. Review status: criteria provided, single submitter. Criteria: GeneDx Variant Classification Process June 2021. Collection method: clinical testing. Allele origin: germline. Affected: yes.
Comment: Not observed at a significant frequency in large population cohorts (Lek et al., 2016); In silico analysis supports that this missense variant does not alter protein structure/function; Has not been previously published as pathogenic or benign to our knowledge